The following is an entry in ClinVar:

ClinVar aggregate classification (germline): Conflicting classifications of pathogenicity. Review status: criteria provided, conflicting classifications (1 of 4 stars). 2 submissions from 2 submitters: Uncertain significance (1); Likely benign (1). Last evaluated 2026-01-16.

Allele frequency attached by ClinVar (database versions not stated): ExAC 0.00002; TOPMed 0.00004; gnomAD exomes 0.00008.
gnomAD v4.1: 110 of 1,614,052 alleles (0.0068%); highest among the groups gnomAD compares: Non-Finnish European, 0.0087%; no homozygotes.

Submissions (2):

Labcorp Genetics (formerly Invitae), Labcorp
Classification: Uncertain significance. Last evaluated: 2026-01-16. Review status: criteria provided, single submitter. Criteria: Invitae Variant Classification Sherloc (09022015). Collection method: clinical testing. Allele origin: germline.
Comment: This sequence change replaces threonine, which is neutral and polar, with methionine, which is neutral and non-polar, at codon 632 of the ADGRE2 protein (p.Thr632Met). This variant is present in population databases (rs45563436, gnomAD 0.006%). This variant has not been reported in the literature in individuals affected with ADGRE2-related conditions. ClinVar contains an entry for this variant (Variation ID: 2198761). An algorithm developed to predict the effect of missense changes on protein structure and function outputs the following: PolyPhen-2: "Benign". The methionine amino acid residue is found in multiple mammalian species, which suggests that this missense change does not adversely affect protein function. In summary, the available evidence is currently insufficient to determine the role of this variant in disease. Therefore, it has been classified as a Variant of Uncertain Significance.

Ambry Genetics
Classification: Likely benign. Last evaluated: 2022-01-19. Review status: criteria provided, single submitter. Criteria: Ambry Variant Classification Scheme 2023. Collection method: clinical testing. Allele origin: germline.

NM_013447.4(ADGRE2):c.1895C>T (p.Thr632Met)

Gene: ADGRE2 (adhesion G protein-coupled receptor E2; minus strand). Cytogenetic location: 19p13.12.
Variant type: single nucleotide variant.
Coding change: c.1895C>T on transcript NM_013447.4 (MANE Select); coding-DNA position 1895, C replaced by T.
Protein change: p.Thr632Met; replaces threonine 632 with methionine.
Molecular consequence: missense variant.
Genome position (GRCh38, 1-based): chr19:14,751,565, G>A on the plus strand (C>T on the coding strand, the complement: ADGRE2 is on the minus strand). VCF-style: chr19-14751565-G-A. GRCh37 (hg19) VCF-style: chr19-14862377-G-A.
Other names: c.1895C>T (NM_013447.2); c.1721C>T, p.Thr574Met (NM_001271052.1); c.1748C>T, p.Thr583Met (NM_152916.2); c.1616C>T, p.Thr539Met (NM_152917.2); short protein forms T539M, T632M, T574M, T583M.
Identifiers: ClinVar variation 2198761 (VCV002198761.5), dbSNP rs45563436, ClinGen allele CA9257562.